The following is an entry in ClinVar:

NM_012309.5(SHANK2):c.349dup (p.Asp117fs)

Gene: SHANK2 (SH3 and multiple ankyrin repeat domains 2; minus strand). Cytogenetic location: 11q13.4.
Variant type: Duplication.
Coding change: c.349dup on transcript NM_012309.5 (MANE Select); coding-DNA position 349, one base duplicated (G; older notation c.349dupG).
Protein change: p.Asp117fs; shifts the reading frame from aspartic acid 117.
Molecular consequence: frameshift variant.
Genome position (GRCh38, 1-based): chr11:71,118,891, C duplicated on the plus strand (G on the coding strand, the reverse complement: SHANK2 is on the minus strand); the first of 2 consecutive C bases (chr11:71,118,891-71,118,892); duplicating either gives the same sequence. VCF-style (leftmost placement, unchanged base first): chr11-71118890-T-TC. GRCh37 (hg19) VCF-style: chr11-70829936-T-TC.
Other names: short protein forms D117fs.
Identifiers: ClinVar variation 418489 (VCV000418489.2), dbSNP rs1555100912, ClinGen allele CA16619400.
Genomic context (GRCh38, chr11:71,118,890, plus strand): 5'-TCCAGGGAAGGAACGCCCTCACCCACGGGCTGTGGGTACTCGCGCAGGAGCCGCTCCTCA[T>TC]CCAGGAACTTGCCGTCACGCCCATTGCTGGCCGGCTGGAACAGGCCGTAGTTCAGGACAT-3'

ClinVar aggregate classification (germline): Likely pathogenic (1 of 4 stars; one submission).

Submission:

GeneDx
Classification: Likely pathogenic. Last evaluated: 2017-02-23. Review status: criteria provided, single submitter. Criteria: GeneDx Variant Classification (06012015). Collection method: clinical testing. Allele origin: germline. Affected: yes.
Comment: The c.349dupG variant causes a frameshift starting with codon Aspartic Acid 117, changes this amino acid to a Glycine residue and creates a premature Stop codon at position 2 of the new reading frame, denoted p.Asp117GlyfsX2 . This variant is predicted to cause loss of normal protein function either through protein truncation or nonsense-mediated mRNA decay. The c.349dupG variant is not observed in large population cohorts (Lek et al., 2016; 1000 Genomes Consortium et al., 2015; Exome Variant Server). We interpret c.349dupG as a likely pathogenic variant